The following is an entry in ClinVar:

NM_001918.5(DBT):c.*5919A>G

Gene: DBT (dihydrolipoamide branched chain transacylase E2; minus strand). Cytogenetic location: 1p21.2.
Variant type: single nucleotide variant.
Coding change: c.*5919A>G on transcript NM_001918.5 (MANE Select); 5919 bases downstream of the stop codon, A replaced by G.
Molecular consequence: 3 prime UTR variant.
Genome position (GRCh38, 1-based): chr1:100,190,336, T>C on the plus strand (A>G on the coding strand, the complement: DBT is on the minus strand). VCF-style: chr1-100190336-T-C. GRCh37 (hg19) VCF-style: chr1-100655892-T-C.
Identifiers: ClinVar variation 291397 (VCV000291397.10), dbSNP rs115442245, ClinGen allele CA10607139.

ClinVar aggregate classification (germline): Benign/Likely benign. Review status: criteria provided, multiple submitters, no conflicts (2 of 4 stars). 4 submissions from 4 submitters: Benign (2); Likely benign (2). Last evaluated 2023-04-11.

Conditions:
Maple syrup urine disease (MSUD). Identifiers: Orphanet 511, MedGen C0024776, MeSH D008375, MONDO:0009563. Disease mechanism: loss of function.

Allele frequency attached by ClinVar (database versions not stated): TOPMed 0.01169; gnomAD 0.01236; 1000 Genomes Project 30x 0.03217; 1000 Genomes Project 0.03375.

Submissions (4):

Genome-Nilou Lab
Classification: Benign for Maple syrup urine disease type 1A. Last evaluated: 2023-04-11. Review status: criteria provided, single submitter. Criteria: ACMG Guidelines, 2015. Collection method: clinical testing. Allele origin: germline. Affected: no.

GeneDx
Classification: Likely benign. Last evaluated: 2020-02-13. Review status: criteria provided, single submitter. Criteria: GeneDx Variant Classification Process June 2021. Collection method: clinical testing. Allele origin: germline. Affected: yes.

Illumina Laboratory Services, Illumina
Classification: Benign for Maple syrup urine disease type 1A. Last evaluated: 2018-01-12. Review status: criteria provided, single submitter. Criteria: ICSL Variant Classification Criteria 13 December 2019. Collection method: clinical testing. Allele origin: germline.
Comment: This variant was observed in the ICSL laboratory as part of a predisposition screen in an ostensibly healthy population. It had not been previously curated by ICSL or reported in the Human Gene Mutation Database (HGMD: prior to June 1st, 2018), and was therefore a candidate for classification through an automated scoring system. Utilizing variant allele frequency, disease prevalence and penetrance estimates, and inheritance mode, an automated score was calculated to assess if this variant is too frequent to cause the disease. Based on the score and internal cut-off values, a variant classified as benign is not then subjected to further curation. The score for this variant resulted in a classification of benign for this disease.

Breakthrough Genomics
Classification: Likely benign. Review status: criteria provided, single submitter. Criteria: ACMG Guidelines, 2015. Collection method: not provided. Allele origin: germline. Inheritance: Autosomal recessive inheritance. Affected: yes.